The following is an entry in ClinVar:

NM_015213.4(DENND5A):c.1405A>G (p.Ile469Val)

Gene: DENND5A (DENN domain containing 5A; minus strand). Cytogenetic location: 11p15.4.
Variant type: single nucleotide variant.
Coding change: c.1405A>G on transcript NM_015213.4 (MANE Select); coding-DNA position 1405, A replaced by G.
Protein change: p.Ile469Val; replaces isoleucine 469 with valine.
Molecular consequence: missense variant. On other transcripts: non-coding transcript variant (1).
Genome position (GRCh38, 1-based): chr11:9,180,817, T>C on the plus strand (A>G on the coding strand, the complement: DENND5A is on the minus strand). VCF-style: chr11-9180817-T-C. GRCh37 (hg19) VCF-style: chr11-9202364-T-C.
Other names: c.1405A>G (NM_015213.3); c.1405A>G, p.Ile469Val (NM_001243254.2, NM_001348748.1); c.1333A>G, p.Ile445Val (NM_001348749.2); c.1117A>G, p.Ile373Val (NM_001348750.2); short protein forms I373V, I445V, I469V.
Identifiers: ClinVar variation 2199796 (VCV002199796.4), dbSNP rs987102271, ClinGen allele CA217554647.

ClinVar aggregate classification (germline): Uncertain significance. Review status: criteria provided, multiple submitters, no conflicts (2 of 4 stars). 3 submissions from 3 submitters: Uncertain significance (3). Last evaluated 2025-04-16.

Conditions:
Inborn genetic diseases. Identifiers: MedGen C0950123, MeSH D030342.

Allele frequency attached by ClinVar (database versions not stated): gnomAD exomes 0.00001; gnomAD 0.00002; TOPMed 0.00003.
gnomAD v4.1: 25 of 1,614,056 alleles (0.0015%); highest among the groups gnomAD compares: African/African-American, 0.004%; no homozygotes.

Submissions (3):

GeneDx
Classification: Uncertain significance. Last evaluated: 2025-04-16. Review status: criteria provided, single submitter. Criteria: GeneDx Variant Classification Process June 2021. Collection method: clinical testing. Allele origin: germline. Affected: yes.
Comment: In silico analysis indicates that this missense variant does not alter protein structure/function; Has not been previously published as pathogenic or benign to our knowledge

Ambry Genetics
Classification: Uncertain significance for Inborn genetic diseases. Last evaluated: 2024-08-14. Review status: criteria provided, single submitter. Criteria: Ambry Variant Classification Scheme 2023. Collection method: clinical testing. Allele origin: germline.

Labcorp Genetics (formerly Invitae), Labcorp
Classification: Uncertain significance. Last evaluated: 2022-08-19. Review status: criteria provided, single submitter. Criteria: Invitae Variant Classification Sherloc (09022015). Collection method: clinical testing. Allele origin: germline.
Comment: This sequence change replaces isoleucine, which is neutral and non-polar, with valine, which is neutral and non-polar, at codon 469 of the DENND5A protein (p.Ile469Val). In summary, the available evidence is currently insufficient to determine the role of this variant in disease. Therefore, it has been classified as a Variant of Uncertain Significance. Algorithms developed to predict the effect of missense changes on protein structure and function (SIFT, PolyPhen-2, Align-GVGD) all suggest that this variant is likely to be tolerated. This variant has not been reported in the literature in individuals affected with DENND5A-related conditions. This variant is present in population databases (no rsID available, gnomAD 0.009%).